The following is an entry in ClinVar:

NM_006846.4(SPINK5):c.829_830del (p.Asp277fs)

Gene: SPINK5 (serine peptidase inhibitor Kazal type 5; plus strand). Cytogenetic location: 5q32.
Variant type: Deletion.
Coding change: c.829_830del on transcript NM_006846.4 (MANE Select); coding-DNA positions 829 to 830, 2 bases deleted (GA; older notation c.829_830delGA).
Protein change: p.Asp277fs; shifts the reading frame from aspartic acid 277.
Molecular consequence: frameshift variant.
Genome position (GRCh38, 1-based): chr5:148,095,852-148,095,853, GA deleted; deleting any 2 consecutive bases within chr5:148,095,851-148,095,853 gives the same sequence; the c. name uses the placement nearest the transcript's 3' end. VCF-style (leftmost placement, unchanged base first): chr5-148095850-CAG-C. GRCh37 (hg19) VCF-style: chr5-147475413-CAG-C.
Other names: c.829_830del, p.Asp277fs (NM_001127698.2, NM_001127699.2); c.829_830delGA, p.Asp277Serfs (NM_006846.3); short protein forms D277fs.
Identifiers: ClinVar variation 2789176 (VCV002789176.4), dbSNP rs2531711888, ClinGen allele CA2578443392.

ClinVar aggregate classification (germline): Pathogenic (1 of 4 stars; one submission).

Conditions:
Ichthyosis linearis circumflexa. Identifiers: MedGen C0265962, MONDO:0043106, HP:0025810.

Submission:

Labcorp Genetics (formerly Invitae), Labcorp
Classification: Pathogenic for Ichthyosis linearis circumflexa. Last evaluated: 2023-07-16. Review status: criteria provided, single submitter. Criteria: Invitae Variant Classification Sherloc (09022015). Collection method: clinical testing. Allele origin: germline.
Comment: For these reasons, this variant has been classified as Pathogenic. This variant has not been reported in the literature in individuals affected with SPINK5-related conditions. This variant is not present in population databases (gnomAD no frequency). This sequence change creates a premature translational stop signal (p.Asp277Serfs*7) in the SPINK5 gene. It is expected to result in an absent or disrupted protein product. Loss-of-function variants in SPINK5 are known to be pathogenic (PMID: 11511292, 11841556).

Literature cited by the submitters: PubMed 11511292; PubMed 11841556.